The following is an entry in ClinVar:

NM_001346754.2(PIGW):c.806C>G (p.Thr269Ser)

Genes: MYO19 (myosin XIX; minus strand), PIGW (phosphatidylinositol glycan anchor biosynthesis class W; plus strand). Cytogenetic location: 17q12.
Variant type: single nucleotide variant.
Coding change: c.806C>G on transcript NM_001346754.2 (MANE Select); coding-DNA position 806, C replaced by G.
Protein change: p.Thr269Ser; replaces threonine 269 with serine.
Molecular consequence: missense variant.
Genome position (GRCh38, 1-based): chr17:36,537,907, C>G. VCF-style: chr17-36537907-C-G. GRCh37 (hg19) VCF-style: chr17-34893756-C-G.
Other names: c.806C>G, p.Thr269Ser (NM_001346755.2, NM_178517.5); short protein forms T269S.
Identifiers: ClinVar variation 1380497 (VCV001380497.6), dbSNP rs2142618358, ClinGen allele CA399163632.

ClinVar aggregate classification (germline): Uncertain significance (1 of 4 stars; one submission).

Conditions:
Hyperphosphatasia with intellectual disability syndrome 5 (GPIBD11). Also called: GLYCOSYLPHOSPHATIDYLINOSITOL BIOSYNTHESIS DEFECT 11. Identifiers: Orphanet 247262, MedGen C4014958, MONDO:0014457, OMIM 616025.

Allele frequency attached by ClinVar (database versions not stated): gnomAD exomes below 0.00001.
gnomAD v4.1: 1 of 1,614,056 alleles (0.000062%); highest among the groups gnomAD compares: Non-Finnish European, 0.000085%; no homozygotes.

Submission:

Labcorp Genetics (formerly Invitae), Labcorp
Classification: Uncertain significance for Hyperphosphatasia with intellectual disability syndrome 5. Last evaluated: 2023-09-25. Review status: criteria provided, single submitter. Criteria: Invitae Variant Classification Sherloc (09022015). Collection method: clinical testing. Allele origin: germline.
Comment: This variant is not present in population databases (gnomAD no frequency). In summary, the available evidence is currently insufficient to determine the role of this variant in disease. Therefore, it has been classified as a Variant of Uncertain Significance. Advanced modeling of protein sequence and biophysical properties (such as structural, functional, and spatial information, amino acid conservation, physicochemical variation, residue mobility, and thermodynamic stability) performed at Invitae indicates that this missense variant is not expected to disrupt PIGW protein function. ClinVar contains an entry for this variant (Variation ID: 1380497). This variant has not been reported in the literature in individuals affected with PIGW-related conditions. This sequence change replaces threonine, which is neutral and polar, with serine, which is neutral and polar, at codon 269 of the PIGW protein (p.Thr269Ser).